The following is an entry in ClinVar:

ClinVar aggregate classification (germline): Uncertain significance (1 of 4 stars; one submission).

Conditions:
Glaucoma 1, open angle, E. Identifiers: MedGen C1842026, MONDO:0007665.
Primary open angle glaucoma (POAG). Also called: OPTN-related open angle glaucoma. Identifiers: MedGen C0339573, MONDO:0100553, OMIM 137760.
Amyotrophic lateral sclerosis type 12 (ALS12). Also called: AMYOTROPHIC LATERAL SCLEROSIS 12 WITH OR WITHOUT FRONTOTEMPORAL DEMENTIA. Identifiers: Orphanet 803, MedGen C3150692, MONDO:0013264, OMIM 613435.

Submission:

Labcorp Genetics (formerly Invitae), Labcorp
Classification: Uncertain significance for Primary open angle glaucoma; Glaucoma 1, open angle, E; Amyotrophic lateral sclerosis type 12. Last evaluated: 2020-09-25. Review status: criteria provided, single submitter. Criteria: Invitae Variant Classification Sherloc (09022015). Collection method: clinical testing. Allele origin: germline.
Comment: In summary, the available evidence is currently insufficient to determine the role of this variant in disease. Therefore, it has been classified as a Variant of Uncertain Significance. Algorithms developed to predict the effect of missense changes on protein structure and function (SIFT, PolyPhen-2, Align-GVGD) all suggest that this variant is likely to be disruptive, but these predictions have not been confirmed by published functional studies and their clinical significance is uncertain. This variant has not been reported in the literature in individuals with OPTN-related conditions. This variant is not present in population databases (ExAC no frequency). This sequence change replaces glutamic acid with glutamine at codon 483 of the OPTN protein (p.Glu483Gln). The glutamic acid residue is highly conserved and there is a small physicochemical difference between glutamic acid and glutamine.

NM_001008212.2(OPTN):c.1447G>C (p.Glu483Gln)

Gene: OPTN (optineurin; plus strand). Cytogenetic location: 10p13.
Variant type: single nucleotide variant.
Coding change: c.1447G>C on transcript NM_001008212.2 (MANE Select); coding-DNA position 1447, G replaced by C.
Protein change: p.Glu483Gln; replaces glutamic acid 483 with glutamine.
Molecular consequence: missense variant.
Genome position (GRCh38, 1-based): chr10:13,132,112, G>C. VCF-style: chr10-13132112-G-C. GRCh37 (hg19) VCF-style: chr10-13174112-G-C.
Other names: c.1447G>C, p.Glu483Gln (NM_001008211.1, NM_001008213.1, NM_021980.4); short protein forms E483Q.
Identifiers: ClinVar variation 1058433 (VCV001058433.9), dbSNP rs2131528196, ClinGen allele CA376030248.
Genomic context (GRCh38, chr10:13,132,112, plus strand): 5'-TTTTTCCTCTAACAGATGGAAGTTTACTGTTCTGATTTTCATGCTGAAAGAGCAGCGAGA[G>C]AGAAAATTCATGAGGAAAAGGAGCAACTGGCATTGCAGCTGGCAGTTCTGCTGAAAGAGA-3'
Protein context (NP_001008213.1, residues 473-493): SDFHAERAAR[Glu483Gln]KIHEEKEQLA